The following is an entry in ClinVar:

NM_000492.4(CFTR):c.3788del (p.Thr1263fs)

Genes: CFTR (CF transmembrane conductance regulator; plus strand), CFTR-AS2 (CFTR antisense RNA 2; minus strand). Cytogenetic location: 7q31.2.
Variant type: Deletion.
Coding change: c.3788del on transcript NM_000492.4 (MANE Select); coding-DNA position 3788, one base deleted (C; older notation c.3788delC).
Protein change: p.Thr1263fs; shifts the reading frame from threonine 1263.
Molecular consequence: frameshift variant.
Genome position (GRCh38, 1-based): chr7:117,642,508, C deleted. VCF-style (leftmost placement, unchanged base first): chr7-117642507-AC-A. GRCh37 (hg19) VCF-style: chr7-117282561-AC-A.
Other names: c.3788delC (NM_000492.4); short protein forms T1263fs.
Identifiers: ClinVar variation 1734899 (VCV001734899.8), dbSNP rs1487240954, ClinGen allele CA577224042.
Genomic context (GRCh38, chr7:117,642,507, plus strand): 5'-TTGGGAAGAACTGGATCAGGGAAGAGTACTTTGTTATCAGCTTTTTTGAGACTACTGAAC[AC>A]TGAAGGAGAAATCCAGATCGATGGTGTGTCTTGGGATTCAATAACTTTGCAACAGTGGAG-3'

ClinVar aggregate classification (germline): Pathogenic/Likely pathogenic. Review status: criteria provided, multiple submitters, no conflicts (2 of 4 stars). 4 submissions from 4 submitters: Pathogenic (3); Likely pathogenic (1). Last evaluated 2024-12-30.

Conditions:
CFTR-related disorder (CFTR-RD). Also called: CFTR-related condition; CFTR-related disorders. Identifiers: MedGen C5924204, MONDO:7770004.
Cystic fibrosis (CF). Also called: MUCOVISCIDOSIS. Identifiers: Orphanet 586, MedGen C0010674, MONDO:0009061, OMIM 219700. Disease mechanism: loss of function.

Allele frequency attached by ClinVar (database versions not stated): gnomAD exomes below 0.00001.

Submissions (4):

Natera, Inc.
Classification: Likely pathogenic for CFTR-related disorders. Last evaluated: 2024-12-30. Review status: criteria provided, single submitter. Criteria: Natera Variant Classification Schema (03/2026). Collection method: clinical testing. Allele origin: germline.
Comment: The c.3788delC variant in CFTR is a frameshift variant predicted to shift the reading frame beginning at codon 1263 and leads to a stop codon 15 codons downstream. This variant is expected to result in nonsense mediated decay, truncation, or a dysfunctional protein product. This variant is rare in the general population with a frequency below the threshold expected for the associated phenotype(s). Given the available evidence, this variant is classified as Likely Pathogenic.

Women's Health and Genetics/Laboratory Corporation of America, LabCorp
Classification: Pathogenic for Cystic fibrosis. Last evaluated: 2024-03-15. Review status: criteria provided, single submitter. Criteria: LabCorp Variant Classification Summary - May 2015. Collection method: clinical testing. Allele origin: germline.
Comment: Variant summary: CFTR c.3788delC (p.Thr1263MetfsX15) results in a premature termination codon, predicted to cause a truncation of the encoded protein or absence of the protein due to nonsense mediated decay, which are commonly known mechanisms for disease. The variant allele was found at a frequency of 4e-06 in 251030 control chromosomes. To our knowledge, no occurrence of c.3788delC in individuals affected with Cystic Fibrosis and no experimental evidence demonstrating its impact on protein function have been reported. ClinVar contains an entry for this variant (Variation ID: 1734899). Based on the evidence outlined above, the variant was classified as pathogenic.

Labcorp Genetics (formerly Invitae), Labcorp
Classification: Pathogenic for Cystic fibrosis. Last evaluated: 2022-11-15. Review status: criteria provided, single submitter. Criteria: Invitae Variant Classification Sherloc (09022015). Collection method: clinical testing. Allele origin: germline.
Comment: This variant is present in population databases (no rsID available, gnomAD 0.003%). This sequence change creates a premature translational stop signal (p.Thr1263Metfs*15) in the CFTR gene. It is expected to result in an absent or disrupted protein product. Loss-of-function variants in CFTR are known to be pathogenic (PMID: 1695717, 7691345, 9725922). This variant has not been reported in the literature in individuals affected with CFTR-related conditions. For these reasons, this variant has been classified as Pathogenic.

Ambry Genetics
Classification: Pathogenic for Cystic fibrosis. Last evaluated: 2019-08-19. Review status: criteria provided, single submitter. Criteria: Ambry Variant Classification Scheme 2023. Collection method: clinical testing. Allele origin: germline.
Comment: The c.3788delC pathogenic mutation, located in coding exon 23 of the CFTR gene, results from a deletion of one nucleotide at nucleotide position 3788, causing a translational frameshift with a predicted alternate stop codon (p.T1263Mfs*15). This alteration is expected to result in loss of function by premature protein truncation or nonsense-mediated mRNA decay. As such, this alteration is interpreted as a disease-causing mutation.

Literature cited by the submitters: PubMed 1695717 (cited by Labcorp Genetics (formerly Invitae), Labcorp); PubMed 7691345 (cited by Labcorp Genetics (formerly Invitae), Labcorp); PubMed 9725922 (cited by Labcorp Genetics (formerly Invitae), Labcorp).